The following is an entry in ClinVar:

NM_152383.5(DIS3L2):c.112A>G (p.Lys38Glu)

Gene: DIS3L2 (DIS3 like 3'-5' exoribonuclease 2; plus strand). Cytogenetic location: 2q37.1.
Variant type: single nucleotide variant.
Coding change: c.112A>G on transcript NM_152383.5 (MANE Select); coding-DNA position 112, A replaced by G.
Protein change: p.Lys38Glu; replaces lysine 38 with glutamic acid.
Molecular consequence: missense variant. On other transcripts: non-coding transcript variant (2).
Genome position (GRCh38, 1-based): chr2:232,015,573, A>G. VCF-style: chr2-232015573-A-G. GRCh37 (hg19) VCF-style: chr2-232880283-A-G.
Other names: c.112A>G, p.Lys38Glu (NM_001257281.2, NM_001257282.2); short protein forms K38E.
Identifiers: ClinVar variation 1014742 (VCV001014742.8), dbSNP rs1694330814, ClinGen allele CA351151921.

ClinVar aggregate classification (germline): Uncertain significance (1 of 4 stars; one submission).

Conditions:
Perlman syndrome (PRLMNS). Identifiers: Orphanet 2849, MedGen C0796113, MONDO:0009965, OMIM 267000.

Allele frequency attached by ClinVar (database versions not stated): TOPMed below 0.00001.

Submission:

Labcorp Genetics (formerly Invitae), Labcorp
Classification: Uncertain significance for Perlman syndrome. Last evaluated: 2022-11-01. Review status: criteria provided, single submitter. Criteria: Invitae Variant Classification Sherloc (09022015). Collection method: clinical testing. Allele origin: germline.
Comment: This sequence change replaces lysine, which is basic and polar, with glutamic acid, which is acidic and polar, at codon 38 of the DIS3L2 protein (p.Lys38Glu). This variant is not present in population databases (gnomAD no frequency). This variant has not been reported in the literature in individuals affected with DIS3L2-related conditions. ClinVar contains an entry for this variant (Variation ID: 1014742). Algorithms developed to predict the effect of missense changes on protein structure and function are either unavailable or do not agree on the potential impact of this missense change (SIFT: "Deleterious"; PolyPhen-2: "Benign"; Align-GVGD: "Class C0"). In summary, the available evidence is currently insufficient to determine the role of this variant in disease. Therefore, it has been classified as a Variant of Uncertain Significance.